The following is an entry in ClinVar:

NM_001792.5(CDH2):c.2192G>C (p.Cys731Ser)

Gene: CDH2 (cadherin 2; minus strand). Cytogenetic location: 18q12.1.
Variant type: single nucleotide variant.
Coding change: c.2192G>C on transcript NM_001792.5 (MANE Select); coding-DNA position 2192, G replaced by C.
Protein change: p.Cys731Ser; replaces cysteine 731 with serine.
Molecular consequence: missense variant.
Genome position (GRCh38, 1-based): chr18:27,985,017, C>G on the plus strand (G>C on the coding strand, the complement: CDH2 is on the minus strand). VCF-style: chr18-27985017-C-G. GRCh37 (hg19) VCF-style: chr18-25564981-C-G.
Other names: c.2099G>C, p.Cys700Ser (NM_001308176.2); short protein forms C731S, C700S.
Identifiers: ClinVar variation 3265222 (VCV003265222.1).

ClinVar aggregate classification (germline): Uncertain significance (1 of 4 stars; one submission).

Conditions:
Inborn genetic diseases. Identifiers: MedGen C0950123, MeSH D030342.

gnomAD v4.1: 5 of 1,613,024 alleles (0.00031%); highest among the groups gnomAD compares: East Asian, 0.011%; no homozygotes.

Submission:

Ambry Genetics
Classification: Uncertain significance for Inborn genetic diseases. Last evaluated: 2024-03-27. Review status: criteria provided, single submitter. Criteria: Ambry Variant Classification Scheme 2023. Collection method: clinical testing. Allele origin: germline.
Comment: The p.C731S variant (also known as c.2192G>C), located in coding exon 13 of the CDH2 gene, results from a G to C substitution at nucleotide position 2192. The cysteine at codon 731 is replaced by serine, an amino acid with dissimilar properties. This amino acid position is conserved. In addition, the in silico prediction for this alteration is inconclusive. Based on the available evidence, the clinical significance of this alteration remains unclear.